The following is an entry in ClinVar:

NM_030630.3(HID1):c.468G>A (p.Pro156=)

Gene: HID1 (HID1 domain containing; minus strand). Cytogenetic location: 17q25.1.
Variant type: single nucleotide variant.
Coding change: c.468G>A on transcript NM_030630.3 (MANE Select); coding-DNA position 468, G replaced by A.
Protein change: p.Pro156=; no amino-acid change (proline 156 retained).
Molecular consequence: synonymous variant.
Genome position (GRCh38, 1-based): chr17:74,963,001, C>T on the plus strand (G>A on the coding strand, the complement: HID1 is on the minus strand). VCF-style: chr17-74963001-C-T. GRCh37 (hg19) VCF-style: chr17-72959096-C-T.
Identifiers: ClinVar variation 4872837 (VCV004872837.2).
Genomic context (GRCh38, chr17:74,963,001, plus strand): 5'-GGTGGGGGGCTGGGGGACACTCACCACAGTGCTCCTCCGGTGGCTCTGAACCGTGAAGTC[C>T]GGGCAGAAGAGCAGGTCAGCAATGGCCAGGAGCAGGGACTCGGCCAGGGGCCTGGCATGC-3'
Protein context (NP_085133.1, residues 146-166): LLAIADLLFC[Pro156=]DFTVQSHRRS

ClinVar aggregate classification (germline): Likely benign (1 of 4 stars; one submission).

gnomAD v4.1: 409 of 1,613,554 alleles (0.025%); highest among the groups gnomAD compares: Admixed American, 0.67%; 3 homozygotes.

Submission:

CeGaT Center for Human Genetics Tuebingen
Classification: Likely benign. Last evaluated: 2026-05-01. Review status: criteria provided, single submitter. Criteria: CeGaT Center For Human Genetics Tuebingen Variant Classification Criteria Version 2. Collection method: clinical testing. Allele origin: germline. Affected: yes. Observed: 1 variant allele.
Comment: HID1: BP4, BP7